The following is an entry in ClinVar:

NM_004168.4(SDHA):c.1162A>T (p.Met388Leu)

Gene: SDHA (succinate dehydrogenase complex flavoprotein subunit A; plus strand). Cytogenetic location: 5p15.33.
Variant type: single nucleotide variant.
Coding change: c.1162A>T on transcript NM_004168.4 (MANE Select); coding-DNA position 1162, A replaced by T.
Protein change: p.Met388Leu; replaces methionine 388 with leucine.
Molecular consequence: missense variant.
Genome position (GRCh38, 1-based): chr5:235,241, A>T. VCF-style: chr5-235241-A-T. GRCh37 (hg19) VCF-style: chr5-235356-A-T.
Other names: c.1018A>T, p.Met340Leu (NM_001294332.2); c.1162A>T, p.Met388Leu (NM_001330758.2); c.1162A>T (NM_004168.2); short protein forms M388L, M340L.
Identifiers: ClinVar variation 1444049 (VCV001444049.8), dbSNP rs1579406553, ClinGen allele CA359013577.

ClinVar aggregate classification (germline): Uncertain significance. Review status: criteria provided, multiple submitters, no conflicts (2 of 4 stars). 2 submissions from 2 submitters: Uncertain significance (2). Last evaluated 2025-12-23.

Conditions:
Mitochondrial complex II deficiency, nuclear type 1. Also called: SUCCINATE CoQ REDUCTASE DEFICIENCY. Identifiers: Orphanet 3208, MedGen C5700310, MONDO:0100294, OMIM 252011.
Pheochromocytoma/paraganglioma syndrome 5. Also called: Paragangliomas 5; SDHA-Related Hereditary Paraganglioma-Pheochromocytoma Syndrome. Identifiers: Orphanet 29072, MedGen C3279992, MONDO:0013602, OMIM 614165.
Hereditary cancer-predisposing syndrome. Also called: Neoplastic Syndromes, Hereditary; Hereditary Cancer Syndrome; Hereditary neoplastic syndrome; Tumor predisposition. Identifiers: Orphanet 140162, MedGen C0027672, MeSH D009386, MONDO:0015356.

Allele frequency attached by ClinVar (database versions not stated): TOPMed below 0.00001.

Submissions (2):

Labcorp Genetics (formerly Invitae), Labcorp
Classification: Uncertain significance for Pheochromocytoma/paraganglioma syndrome 5; Mitochondrial complex II deficiency, nuclear type 1. Last evaluated: 2025-12-23. Review status: criteria provided, single submitter. Criteria: Invitae Variant Classification Sherloc (09022015). Collection method: clinical testing. Allele origin: germline.
Comment: This sequence change replaces methionine, which is neutral and non-polar, with leucine, which is neutral and non-polar, at codon 388 of the SDHA protein (p.Met388Leu). This variant is not present in population databases (gnomAD no frequency). This variant has not been reported in the literature in individuals affected with SDHA-related conditions. ClinVar contains an entry for this variant (Variation ID: 1444049). Invitae Evidence Modeling of protein sequence and biophysical properties (such as structural, functional, and spatial information, amino acid conservation, physicochemical variation, residue mobility, and thermodynamic stability) indicates that this missense variant is not expected to disrupt SDHA protein function with a negative predictive value of 95%. In summary, the available evidence is currently insufficient to determine the role of this variant in disease. Therefore, it has been classified as a Variant of Uncertain Significance.

Ambry Genetics
Classification: Uncertain significance for Hereditary cancer-predisposing syndrome. Last evaluated: 2023-07-13. Review status: criteria provided, single submitter. Criteria: Ambry Variant Classification Scheme 2023. Collection method: clinical testing. Allele origin: germline.
Comment: The p.M388L variant (also known as c.1162A>T), located in coding exon 9 of the SDHA gene, results from an A to T substitution at nucleotide position 1162. The methionine at codon 388 is replaced by leucine, an amino acid with highly similar properties. This amino acid position is conserved. In addition, the in silico prediction for this alteration is inconclusive. Since supporting evidence is limited at this time, the clinical significance of this alteration remains unclear.